The following is an entry in ClinVar:

NM_001330078.2(NRXN1):c.4021_4022del (p.Thr1341fs)

Gene: NRXN1 (neurexin 1; minus strand). Cytogenetic location: 2p16.3.
Variant type: Deletion.
Coding change: c.4021_4022del on transcript NM_001330078.2 (MANE Select); coding-DNA positions 4021 to 4022, 2 bases deleted (AC; older notation c.4021_4022delAC).
Protein change: p.Thr1341fs; shifts the reading frame from threonine 1341.
Molecular consequence: frameshift variant.
Genome position (GRCh38, 1-based): chr2:50,053,377-50,053,378, GT deleted on the plus strand (AC on the coding strand, the reverse complement: NRXN1 is on the minus strand); deleting any 2 consecutive bases within chr2:50,053,377-50,053,379 gives the same sequence; the c. name uses the placement nearest the transcript's 3' end. VCF-style (leftmost placement, unchanged base first): chr2-50053376-AGT-A. GRCh37 (hg19) VCF-style: chr2-50280514-AGT-A.
Other names: c.4141_4142del, p.Thr1381fs (NM_001135659.3); c.3997_3998del, p.Thr1333fs (NM_001330077.2, NM_001330082.2); c.3865_3866del, p.Thr1289fs (NM_001330083.2); c.3955_3956del, p.Thr1319fs (NM_001330084.2); c.3994_3995del, p.Thr1332fs (NM_001330085.2); c.4021_4022del, p.Thr1341fs (NM_001330086.2); c.3820_3821del, p.Thr1274fs (NM_001330087.2, NM_001330096.2); c.3850_3851del, p.Thr1284fs (NM_001330088.2); and 6 more; short protein forms T1289fs, T306fs, T1274fs, T1284fs, T1332fs, T1294fs, T1319fs, T1337fs.
Identifiers: ClinVar variation 1383533 (VCV001383533.6), dbSNP rs2152626377, ClinGen allele CA2573134823.

ClinVar aggregate classification (germline): Pathogenic (1 of 4 stars; one submission).

Conditions:
Pitt-Hopkins-like syndrome 2 (PTHSL2). Identifiers: Orphanet 221150, Orphanet 600663, MedGen C3280479, MONDO:0013690, OMIM 614325.

Submission:

Labcorp Genetics (formerly Invitae), Labcorp
Classification: Pathogenic for Pitt-Hopkins-like syndrome 2. Last evaluated: 2022-06-13. Review status: criteria provided, single submitter. Criteria: Invitae Variant Classification Sherloc (09022015). Collection method: clinical testing. Allele origin: germline.
Comment: This variant is not present in population databases (gnomAD no frequency). For these reasons, this variant has been classified as Pathogenic. This variant has not been reported in the literature in individuals affected with NRXN1-related conditions. This sequence change creates a premature translational stop signal (p.Thr1381Cysfs*20) in the NRXN1 gene. It is expected to result in an absent or disrupted protein product. Loss-of-function variants in NRXN1 are known to be pathogenic (PMID: 19896112, 21964664, 23495017, 23533028, 25149956, 30031152).

Literature cited by the submitters: PubMed 19896112; PubMed 21964664; PubMed 23495017; PubMed 23533028; PubMed 25149956; PubMed 30031152.